The following is an entry in ClinVar:

ClinVar aggregate classification (germline): Benign (1 of 4 stars; one submission).

Conditions:
Macular corneal dystrophy (MCD). Also called: GROENOUW TYPE II CORNEAL DYSTROPHY; Macular corneal dystrophy Type I. Identifiers: Orphanet 98969, MedGen C1636149, MONDO:0009020, OMIM 217800.

Allele frequency attached by ClinVar (database versions not stated): TOPMed 0.37859; 1000 Genomes Project 30x 0.38210; gnomAD 0.38416 and 0.38585; 1000 Genomes Project 0.38438.
gnomAD v4.1: 108,866 of 273,964 alleles (40%); highest among the groups gnomAD compares: South Asian, 44%; 22,358 homozygotes.

Submission:

Illumina Laboratory Services, Illumina
Classification: Benign for Macular corneal dystrophy. Last evaluated: 2018-01-12. Review status: criteria provided, single submitter. Criteria: ICSL Variant Classification Criteria 13 December 2019. Collection method: clinical testing. Allele origin: germline.
Comment: This variant was observed in the ICSL laboratory as part of a predisposition screen in an ostensibly healthy population. It had not been previously curated by ICSL or reported in the Human Gene Mutation Database (HGMD: prior to June 1st, 2018), and was therefore a candidate for classification through an automated scoring system. Utilizing variant allele frequency, disease prevalence and penetrance estimates, and inheritance mode, an automated score was calculated to assess if this variant is too frequent to cause the disease. Based on the score and internal cut-off values, a variant classified as benign is not then subjected to further curation. The score for this variant resulted in a classification of benign for this disease.

NM_021615.5(CHST6):c.*4366T>C

Gene: CHST6 (carbohydrate sulfotransferase 6; minus strand). Cytogenetic location: 16q23.1.
Variant type: single nucleotide variant.
Coding change: c.*4366T>C on transcript NM_021615.5 (MANE Select); 4366 bases downstream of the stop codon, T replaced by C.
Molecular consequence: 3 prime UTR variant.
Genome position (GRCh38, 1-based): chr16:75,474,275, A>G on the plus strand (T>C on the coding strand, the complement: CHST6 is on the minus strand). VCF-style: chr16-75474275-A-G. GRCh37 (hg19) VCF-style: chr16-75508173-A-G.
Identifiers: ClinVar variation 320519 (VCV000320519.5), dbSNP rs37606, ClinGen allele CA10648073.
Genomic context (GRCh38, chr16:75,474,275, plus strand): 5'-CTGTCTTTTCATTAAAAAGTCTCTCTTAATCTGTTTTGTTTTGCTATAACAATACCACAG[A>G]TGGGGTCATTTATTTAGAGATAGGTGTCTTGCTCTGTCACTCAGGCTGGAGTGCACTGGC-3'